The following is an entry in ClinVar:

NM_006269.2(RP1):c.2905A>T (p.Met969Leu)

Gene: RP1 (RP1 axonemal microtubule associated; plus strand). Cytogenetic location: 8q12.1.
Variant type: single nucleotide variant.
Coding change: c.2905A>T on transcript NM_006269.2 (MANE Select); coding-DNA position 2905, A replaced by T.
Protein change: p.Met969Leu; replaces methionine 969 with leucine.
Molecular consequence: missense variant. On other transcripts: intron variant (1).
Genome position (GRCh38, 1-based): chr8:54,626,787, A>T. VCF-style: chr8-54626787-A-T. GRCh37 (hg19) VCF-style: chr8-55539347-A-T.
Other names: c.787+4499A>T (NM_001375654.1); short protein forms M969L.
Identifiers: ClinVar variation 1968391 (VCV001968391.6), dbSNP rs181497543, ClinGen allele CA177237370.

ClinVar aggregate classification (germline): Uncertain significance. Review status: criteria provided, multiple submitters, no conflicts (2 of 4 stars). 2 submissions from 2 submitters: Uncertain significance (2). Last evaluated 2022-05-06.

gnomAD v4.1: 9 of 1,613,712 alleles (0.00056%); highest among the groups gnomAD compares: East Asian, 0.0022%; no homozygotes.

Submissions (2):

Labcorp Genetics (formerly Invitae), Labcorp
Classification: Uncertain significance. Last evaluated: 2022-05-06. Review status: criteria provided, single submitter. Criteria: Invitae Variant Classification Sherloc (09022015). Collection method: clinical testing. Allele origin: germline.
Comment: Algorithms developed to predict the effect of missense changes on protein structure and function output the following: SIFT: "Tolerated"; PolyPhen-2: "Benign"; Align-GVGD: "Class C0". The leucine amino acid residue is found in multiple mammalian species, which suggests that this missense change does not adversely affect protein function. In summary, the available evidence is currently insufficient to determine the role of this variant in disease. Therefore, it has been classified as a Variant of Uncertain Significance. This variant has not been reported in the literature in individuals affected with RP1-related conditions. This variant is present in population databases (no rsID available, gnomAD 0.01%). This sequence change replaces methionine, which is neutral and non-polar, with leucine, which is neutral and non-polar, at codon 969 of the RP1 protein (p.Met969Leu).

Blueprint Genetics
Classification: Uncertain significance. Last evaluated: 2021-09-30. Review status: criteria provided, single submitter. Criteria: ACMG Guidelines, 2015. Collection method: clinical testing. Allele origin: germline.